The following is an entry in ClinVar:

NM_000426.4(LAMA2):c.3979_3985dup (p.Phe1329Ter)

Gene: LAMA2 (laminin subunit alpha 2; plus strand). Cytogenetic location: 6q22.33.
Variant type: Duplication.
Coding change: c.3979_3985dup on transcript NM_000426.4 (MANE Select); coding-DNA positions 3979 to 3985, 7 bases duplicated (GAAGACT; older notation c.3979_3985dupGAAGACT).
Protein change: p.Phe1329Ter; replaces phenylalanine 1329 with a stop codon.
Molecular consequence: nonsense.
Genome position (GRCh38, 1-based): chr6:129,316,092-129,316,098, GAAGACT duplicated. VCF-style (leftmost placement, unchanged base first): chr6-129316091-A-AGAAGACT. GRCh37 (hg19) VCF-style: chr6-129637236-A-AGAAGACT.
Other names: c.3979_3985dup, p.Phe1329Ter (NM_001079823.2); short protein forms F1329*.
Identifiers: ClinVar variation 284319 (VCV000284319.11), dbSNP rs886042847, ClinGen allele CA10604760.

ClinVar aggregate classification (germline): Pathogenic. Review status: criteria provided, multiple submitters, no conflicts (2 of 4 stars). 2 submissions from 2 submitters: Pathogenic (2). Last evaluated 2022-11-01.

Conditions:
LAMA2-related muscular dystrophy (LAMA2-RD). Also called: Laminin alpha 2-related dystrophy. Identifiers: MedGen C5679788, MONDO:0100228.

Submissions (2):

Labcorp Genetics (formerly Invitae), Labcorp
Classification: Pathogenic for LAMA2-related muscular dystrophy. Last evaluated: 2022-11-01. Review status: criteria provided, single submitter. Criteria: Invitae Variant Classification Sherloc (09022015). Collection method: clinical testing. Allele origin: germline.
Comment: This sequence change creates a premature translational stop signal (p.Phe1329*) in the LAMA2 gene. It is expected to result in an absent or disrupted protein product. Loss-of-function variants in LAMA2 are known to be pathogenic (PMID: 18700894, 32904964). This variant is not present in population databases (gnomAD no frequency). This variant has not been reported in the literature in individuals affected with LAMA2-related conditions. ClinVar contains an entry for this variant (Variation ID: 284319). For these reasons, this variant has been classified as Pathogenic.

Eurofins Ntd Llc (ga)
Classification: Pathogenic. Last evaluated: 2015-11-03. Review status: criteria provided, single submitter. Criteria: EGL Classification Definitions. Collection method: clinical testing. Allele origin: germline. Observed: 3 variant alleles, 2 heterozygotes, 1 homozygote.

Literature cited by the submitters: PubMed 18700894 (cited by Labcorp Genetics (formerly Invitae), Labcorp); PubMed 32904964 (cited by Labcorp Genetics (formerly Invitae), Labcorp).